The following is an entry in ClinVar:

ClinVar aggregate classification (germline): Likely pathogenic (1 of 4 stars; one submission).

Conditions:
Mucolipidosis. Also called: Mucolipidoses. Identifiers: Orphanet 79212, MedGen C0026697, MONDO:0019248.

Submission:

Women's Health and Genetics/Laboratory Corporation of America, LabCorp
Classification: Likely pathogenic for Mucolipidosis. Last evaluated: 2023-08-17. Review status: criteria provided, single submitter. Criteria: LabCorp Variant Classification Summary - May 2015. Collection method: clinical testing. Allele origin: germline.
Comment: Variant summary: GNPTAB c.1723G>A (p.Gly575Arg) results in a non-conservative amino acid change in the encoded protein sequence. Four of five in-silico tools predict a damaging effect of the variant on protein function. The variant was absent in 251376 control chromosomes. c.1723G>A has been reported in the literature an individual affected with Mucolipidosis (Sperb-Ludwig_2015, Velho_2015). One publication reported experimental evidence demonstrated mutant GlcNAc-1-phosphotransferase activity was reduced to about 6% of Wildtype (Velho_2015). The following publications have been ascertained in the context of this evaluation (PMID: 28649523, 25788519). No submitters have cited clinical-significance assessments for this variant to ClinVar after 2014. Based on the evidence outlined above, the variant was classified as likely pathogenic.

Literature cited by the submitters: PubMed 25788519; PubMed 28649523.

NM_024312.5(GNPTAB):c.1723G>A (p.Gly575Arg)

Gene: GNPTAB (N-acetylglucosamine-1-phosphate transferase subunits alpha and beta; minus strand). Cytogenetic location: 12q23.2.
Variant type: single nucleotide variant.
Coding change: c.1723G>A on transcript NM_024312.5 (MANE Select); coding-DNA position 1723, G replaced by A.
Protein change: p.Gly575Arg; replaces glycine 575 with arginine.
Molecular consequence: missense variant.
Genome position (GRCh38, 1-based): chr12:101,765,194, C>T on the plus strand (G>A on the coding strand, the complement: GNPTAB is on the minus strand). VCF-style: chr12-101765194-C-T. GRCh37 (hg19) VCF-style: chr12-102158972-C-T.
Other names: short protein forms G575R.
Identifiers: ClinVar variation 2581188 (VCV002581188.1), dbSNP rs2547957977, ClinGen allele CA386299947.
Genomic context (GRCh38, chr12:101,765,194, plus strand): 5'-ACTTGTTGGCAATAGAAGCATGTCGAATTATTGGATTGTCACTATAGGCACCTTCAACTC[C>T]TCTTTTGGCTACTTCTGCAAAGCTGAAATAAGGCAGGCATTCACCTTTTGGAATAATATA-3'
Protein context (NP_077288.2, residues 565-585): YFSFAEVAKR[Gly575Arg]VEGAYSDNPI